The following is an entry in ClinVar:

ClinVar aggregate classification (germline): Likely pathogenic (1 of 4 stars; one submission).

Conditions:
Neurodevelopmental disorder with hypotonia, stereotypic hand movements, and impaired language. Also called: Intellectual disability, autosomal dominant 20. Identifiers: Orphanet 228384, Orphanet 664410, MedGen C3150700, MONDO:0013266, OMIM 613443.

Submission:

Center for Human Genetics and Genomic Medicine, Uniklinik Rwth Aachen
Classification: Likely pathogenic for Neurodevelopmental disorder with hypotonia, stereotypic hand movements, and impaired language. Last evaluated: 2026-07-24. Review status: criteria provided, single submitter. Criteria: ACMG Guidelines, 2015. Collection method: clinical testing. Allele origin: de novo. Inheritance: Autosomal dominant inheritance. Affected: yes. Observed: 1 variant allele, 1 heterozygote.
Comment: The variant has not yet been reported in the literature or in the ClinVar database. In the general population (gnomAD v4.1.1), it has not yet been detected (PM2_Supporting). Two other amino acid substitutions at this position (p.(Ser36Gly), VCV001208319.3; p.(Ser36Arg), VCV002442358.1) have been reported as likely pathogenic (PM5). Bioinformatics prediction tools (REVEL (v2021-05-03), CADD (v1.6); accessed via Alamut Visual Plus v.2.0.1) classify the variant as likely to cause disease (PP3_Moderate).

NM_002397.5(MEF2C):c.107G>A (p.Ser36Asn)

Gene: MEF2C (myocyte enhancer factor 2C; minus strand). Cytogenetic location: 5q14.3.
Variant type: single nucleotide variant.
Coding change: c.107G>A on transcript NM_002397.5 (MANE Select); coding-DNA position 107, G replaced by A.
Protein change: p.Ser36Asn; replaces serine 36 with asparagine.
Molecular consequence: missense variant.
Genome position (GRCh38, 1-based): chr5:88,804,749, C>T on the plus strand (G>A on the coding strand, the complement: MEF2C is on the minus strand). VCF-style: chr5-88804749-C-T. GRCh37 (hg19) VCF-style: chr5-88100566-C-T.
Other names: c.107G>A, p.Ser36Asn (NM_001364331.2, NM_001364332.2, NM_001364333.2 and 29 more transcripts); short protein forms S36N.
Identifiers: ClinVar variation 4884876 (VCV004884876.1).
Genomic context (GRCh38, chr5:88,804,749, plus strand): 5'-TGGAACAGCTTGTTGGTGCTGTTGAAGATGATCAGCGCAATCTCACAGTCACACAGCACG[C>T]TCAGCTCATAAGCCTTCTTCATCAACCCAAATTTCCTCTTTGTAAATGTCACCTAGAAAA-3'
Protein context (NP_002388.2, residues 26-46): FGLMKKAYEL[Ser36Asn]VLCDCEIALI